The following is an entry in ClinVar:

ClinVar aggregate classification (germline): Likely pathogenic (1 of 4 stars; one submission).

Submission:

Mayo Clinic Laboratories, Mayo Clinic
Classification: Likely pathogenic. Last evaluated: 2024-04-25. Review status: criteria provided, single submitter. Criteria: ACMG Guidelines, 2015. Collection method: clinical testing. Allele origin: germline. Observed: 1 variant allele.
Comment: PM2_moderate, PVS1_strong

NM_000313.4(PROS1):c.849+1G>T

Gene: PROS1 (protein S; minus strand). Cytogenetic location: 3q11.1.
Variant type: single nucleotide variant.
Coding change: c.849+1G>T on transcript NM_000313.4 (MANE Select); the canonical splice donor site of the intron after coding-DNA position 849, G replaced by T.
Molecular consequence: splice donor variant.
Genome position (GRCh38, 1-based): chr3:93,898,447, C>A on the plus strand (G>T on the coding strand, the complement: PROS1 is on the minus strand). VCF-style: chr3-93898447-C-A. GRCh37 (hg19) VCF-style: chr3-93617291-C-A.
Other names: p.?; c.945+1G>T (NM_001314077.2).
Identifiers: ClinVar variation 3380974 (VCV003380974.1).